The following is an entry in ClinVar:

ClinVar aggregate classification (germline): Uncertain significance. Review status: criteria provided, multiple submitters, no conflicts (2 of 4 stars). 2 submissions from 2 submitters: Uncertain significance (2). Last evaluated 2021-08-24.

Conditions:
Fanconi anemia complementation group D2. Also called: FANCD2-Related Fanconi Anemia; FANCONI PANCYTOPENIA, TYPE 4; FANCONI ANEMIA, COMPLEMENTATION GROUP D. Identifiers: Orphanet 84, MedGen C3160738, MONDO:0009214, OMIM 227646.
Fanconi anemia (FA). Also called: Fanconi's anemia. Identifiers: Orphanet 84, MedGen C0015625, MeSH D005199, MONDO:0019391.

Allele frequency attached by ClinVar (database versions not stated): gnomAD exomes below 0.00001 and 0.00001; gnomAD 0.00001; TOPMed 0.00001; ExAC 0.00002.

Submissions (2):

Labcorp Genetics (formerly Invitae), Labcorp
Classification: Uncertain significance for Fanconi anemia. Last evaluated: 2021-08-24. Review status: criteria provided, single submitter. Criteria: Invitae Variant Classification Sherloc (09022015). Collection method: clinical testing. Allele origin: germline.
Comment: This sequence change replaces arginine with tryptophan at codon 735 of the FANCD2 protein (p.Arg735Trp). The arginine residue is moderately conserved and there is a moderate physicochemical difference between arginine and tryptophan. This variant is present in population databases (rs752621186, ExAC 0.009%). This variant has not been reported in the literature in individuals affected with FANCD2-related conditions. Algorithms developed to predict the effect of missense changes on protein structure and function are either unavailable or do not agree on the potential impact of this missense change (SIFT: "Deleterious"; PolyPhen-2: "Probably Damaging"; Align-GVGD: "Class C0"). In summary, the available evidence is currently insufficient to determine the role of this variant in disease. Therefore, it has been classified as a Variant of Uncertain Significance.

Baylor Genetics
Classification: Uncertain significance for Fanconi anemia complementation group D2. Last evaluated: 2018-09-25. Review status: criteria provided, single submitter. Criteria: ACMG Guidelines, 2015. Collection method: clinical testing. Allele origin: unknown. Affected: yes.
Comment: This variant was determined to be of uncertain significance according to ACMG Guidelines, 2015 [PMID:25741868].

NM_001018115.3(FANCD2):c.2203C>T (p.Arg735Trp)

Genes: FANCD2 (FA complementation group D2; plus strand), LOC107303338 (3p25 FANCD2 Alu-mediated recombination region; plus strand). Cytogenetic location: 3p25.3.
Variant type: single nucleotide variant.
Coding change: c.2203C>T on transcript NM_001018115.3 (MANE Select); coding-DNA position 2203, C replaced by T.
Protein change: p.Arg735Trp; replaces arginine 735 with tryptophan.
Molecular consequence: missense variant.
Genome position (GRCh38, 1-based): chr3:10,065,428, C>T. VCF-style: chr3-10065428-C-T. GRCh37 (hg19) VCF-style: chr3-10107112-C-T.
Other names: c.2203C>T, p.Arg735Trp (NM_001319984.2, NM_001374254.1, NM_033084.6); c.2092C>T, p.Arg698Trp (NM_001374253.1); short protein forms R735W, R698W.
Identifiers: ClinVar variation 1034183 (VCV001034183.7), dbSNP rs752621186, ClinGen allele CA2250005.
Genomic context (GRCh38, chr3:10,065,428, plus strand): 5'-TCTAGAAATTTATTTCTCCTTCTCAGATTGGTGTCTCCGCTGTGCCTGGCTCCGTATTTC[C>T]GGTTACTGAGACTTTGTGTGGAGAGACAGCATAACGGAAACTTGGAGGAGATTGATGGTC-3'
Protein context (NP_001018125.1, residues 725-745): VSPLCLAPYF[Arg735Trp]LLRLCVERQH